The following is an entry in ClinVar:

ClinVar aggregate classification (germline): Pathogenic (1 of 4 stars; one submission).

Conditions:
Wilson disease (WND). Also called: Wilson's disease. Identifiers: Orphanet 905, MedGen C0019202, MONDO:0010200, OMIM 277900. Disease mechanism: loss of function.

Allele frequency attached by ClinVar (database versions not stated): gnomAD exomes below 0.00001; TOPMed below 0.00001; gnomAD 0.00001.
gnomAD v4.1: 2 of 1,613,846 alleles (0.00012%); highest among the groups gnomAD compares: Non-Finnish European, 0.00017%; no homozygotes.

Submission:

Labcorp Genetics (formerly Invitae), Labcorp
Classification: Pathogenic for Wilson disease. Last evaluated: 2024-06-04. Review status: criteria provided, single submitter. Criteria: Invitae Variant Classification Sherloc (09022015). Collection method: clinical testing. Allele origin: germline.
Comment: This sequence change replaces arginine, which is basic and polar, with serine, which is neutral and polar, at codon 816 of the ATP7B protein (p.Arg816Ser). This variant is not present in population databases (gnomAD no frequency). This missense change has been observed in individual(s) with Wilson disease (PMID: 22763723). ClinVar contains an entry for this variant (Variation ID: 1456056). An algorithm developed to predict the effect of missense changes on protein structure and function (PolyPhen-2) suggests that this variant is likely to be tolerated. For these reasons, this variant has been classified as Pathogenic.

Literature cited by the submitters: PubMed 22763723.

NM_000053.4(ATP7B):c.2448G>T (p.Arg816Ser)

Gene: ATP7B (ATPase copper transporting beta; minus strand). Cytogenetic location: 13q14.3.
Variant type: single nucleotide variant.
Coding change: c.2448G>T on transcript NM_000053.4 (MANE Select); coding-DNA position 2448, G replaced by T.
Protein change: p.Arg816Ser; replaces arginine 816 with serine.
Molecular consequence: missense variant.
Genome position (GRCh38, 1-based): chr13:51,950,399, C>A on the plus strand (G>T on the coding strand, the complement: ATP7B is on the minus strand). VCF-style: chr13-51950399-C-A. GRCh37 (hg19) VCF-style: chr13-52524535-C-A.
Other names: c.1962G>T, p.Arg654Ser (NM_001005918.3); c.2115G>T, p.Arg705Ser (NM_001243182.2); c.2214G>T, p.Arg738Ser (NM_001330578.2); c.2196G>T, p.Arg732Ser (NM_001330579.2); short protein forms R732S, R654S, R705S, R738S, R816S.
Identifiers: ClinVar variation 1456056 (VCV001456056.6), dbSNP rs1957924589, ClinGen allele CA388017173.